The following is an entry in ClinVar:

NM_001009944.3(PKD1):c.1207C>T (p.His403Tyr)

Gene: PKD1 (polycystin 1, transient receptor potential channel interacting; minus strand). Cytogenetic location: 16p13.3.
Variant type: single nucleotide variant.
Coding change: c.1207C>T on transcript NM_001009944.3 (MANE Select); coding-DNA position 1207, C replaced by T.
Protein change: p.His403Tyr; replaces histidine 403 with tyrosine.
Molecular consequence: missense variant.
Genome position (GRCh38, 1-based): chr16:2,117,667, G>A on the plus strand (C>T on the coding strand, the complement: PKD1 is on the minus strand). VCF-style: chr16-2117667-G-A. GRCh37 (hg19) VCF-style: chr16-2167668-G-A.
Other names: c.1207C>T, p.His403Tyr (NM_000296.4); c.1207C>T (NM_000296.3); short protein forms H403Y.
Identifiers: ClinVar variation 1699589 (VCV001699589.4), dbSNP rs999510631, ClinGen allele CA276783383.
Genomic context (GRCh38, chr16:2,117,667, plus strand): 5'-CCAGGCGGTAGCAGTGCCCGTTGCCAGGGAAGATCTCCGTGTCCGAGGGGCAGAGCGGGT[G>A]CACCGCTGGAGACCGGTGGGAACGAGGGTGTCAACGGTCAGTGTGGGCCCAAGACGGGGG-3'
Protein context (NP_001009944.3, residues 393-413): ALGEEPARAV[His403Tyr]PLCPSDTEIF

ClinVar aggregate classification (germline): Uncertain significance. Review status: criteria provided, multiple submitters, no conflicts (2 of 4 stars). 3 submissions from 3 submitters: Uncertain significance (3). Last evaluated 2026-02-16.

Conditions:
Inborn genetic diseases. Identifiers: MedGen C0950123, MeSH D030342.
Polycystic kidney disease, adult type (PKD1). Also called: POLYCYSTIC KIDNEY DISEASE 1 WITH OR WITHOUT POLYCYSTIC LIVER DISEASE; Polycystic Kidney Disease 1, Autosomal Dominant; Polycystic kidney disease 1; Polycystic kidney disease 1, severe; POLYCYSTIC KIDNEY DISEASE, ADULT, TYPE I; Polycystic Kidney, Autosomal Dominant. Identifiers: MedGen C3149841, MONDO:0008263, OMIM 173900.

Allele frequency attached by ClinVar (database versions not stated): gnomAD exomes below 0.00001; gnomAD 0.00001; TOPMed 0.00002.

Submissions (3):

Ambry Genetics
Classification: Uncertain significance for Inborn genetic diseases. Last evaluated: 2026-02-16. Review status: criteria provided, single submitter. Criteria: Ambry Variant Classification Scheme 2023. Collection method: clinical testing. Allele origin: germline.

Fulgent Genetics
Classification: Uncertain significance for Polycystic kidney disease, adult type. Last evaluated: 2024-06-12. Review status: criteria provided, single submitter. Criteria: ACMG Guidelines, 2015. Collection method: clinical testing. Allele origin: germline.

GeneDx
Classification: Uncertain significance. Last evaluated: 2022-01-26. Review status: criteria provided, single submitter. Criteria: GeneDx Variant Classification Process June 2021. Collection method: clinical testing. Allele origin: germline. Affected: yes.
Comment: In silico analysis supports that this missense variant does not alter protein structure/function; Has not been previously published as pathogenic or benign to our knowledge